The following is an entry in ClinVar:

NM_001128840.3(CACNA1D):c.254G>A (p.Arg85His)

Gene: CACNA1D (calcium voltage-gated channel subunit alpha1 D; plus strand). Cytogenetic location: 3p21.1.
Variant type: single nucleotide variant.
Coding change: c.254G>A on transcript NM_001128840.3 (MANE Select); coding-DNA position 254, G replaced by A.
Protein change: p.Arg85His; replaces arginine 85 with histidine.
Molecular consequence: missense variant.
Genome position (GRCh38, 1-based): chr3:53,497,338, G>A. VCF-style: chr3-53497338-G-A. GRCh37 (hg19) VCF-style: chr3-53531365-G-A.
Other names: c.254G>A, p.Arg85His (NM_000720.4, NM_001128839.3); short protein forms R85H.
Identifiers: ClinVar variation 3390926 (VCV003390926.3).

ClinVar aggregate classification (germline): Uncertain significance. Review status: criteria provided, multiple submitters, no conflicts (2 of 4 stars). 3 submissions from 2 submitters: Uncertain significance (3). Last evaluated 2025-09-10.

Conditions:
Sinoatrial node dysfunction and deafness (SANDD). Identifiers: Orphanet 324321, MedGen C3554018, MONDO:0013960, OMIM 614896.
Autosomal recessive Alport syndrome (ATS2). Also called: ALPORT SYNDROME 2, AUTOSOMAL RECESSIVE; COL4A4 Alport Syndrome and Thin Basement Membrane Nephropathy; COL4A3-Related Nephropathy; Alport syndrome type 2. Identifiers: Orphanet 63, Orphanet 88919, MedGen C4746745, MONDO:0008762, OMIM 203780.

gnomAD v4.1: 5 of 1,614,106 alleles (0.00031%); highest among the groups gnomAD compares: South Asian, 0.0011%; no homozygotes.

Submissions (3):

Genomic Medicine Center of Excellence, King Faisal Specialist Hospital and Research Centre
Classification: Uncertain significance for Sinoatrial node dysfunction and deafness. Last evaluated: 2025-09-10. Review status: criteria provided, single submitter. Criteria: ACMG Guidelines, 2015. Collection method: clinical testing. Allele origin: germline.

Labcorp Genetics (formerly Invitae), Labcorp
Classification: Uncertain significance. Last evaluated: 2025-08-29. Review status: criteria provided, single submitter. Criteria: Invitae Variant Classification Sherloc (09022015). Collection method: clinical testing. Allele origin: germline.
Comment: This sequence change replaces arginine, which is basic and polar, with histidine, which is basic and polar, at codon 85 of the CACNA1D protein (p.Arg85His). This variant is not present in population databases (gnomAD no frequency). This variant has not been reported in the literature in individuals affected with CACNA1D-related conditions. ClinVar contains an entry for this variant (Variation ID: 3390926). An algorithm developed to predict the effect of missense changes on protein structure and function (PolyPhen-2) suggests that this variant is likely to be disruptive. In summary, the available evidence is currently insufficient to determine the role of this variant in disease. Therefore, it has been classified as a Variant of Uncertain Significance.

Genomic Medicine Center of Excellence, King Faisal Specialist Hospital and Research Centre
Classification: Uncertain significance for Autosomal recessive Alport syndrome. Last evaluated: 2024-12-17. Review status: criteria provided, single submitter. Criteria: ACMG Guidelines, 2015. Collection method: clinical testing. Allele origin: germline.